The following is an entry in ClinVar:

ClinVar aggregate classification (germline): Likely pathogenic. Review status: criteria provided, single submitter (1 of 4 stars). 2 submissions from 2 submitters: Likely pathogenic (1). 1 of the submissions does not count toward it. Last evaluated 2026-01-05.

Conditions:
Cystic fibrosis (CF). Also called: MUCOVISCIDOSIS. Identifiers: Orphanet 586, MedGen C0010674, MONDO:0009061, OMIM 219700. Disease mechanism: loss of function.

gnomAD v4.1: 3 of 1,613,442 alleles (0.00019%); highest among the groups gnomAD compares: African/African-American, 0.004%; no homozygotes.

Submissions (2):

Labcorp Genetics (formerly Invitae), Labcorp
Classification: Likely pathogenic for Cystic fibrosis. Last evaluated: 2026-01-05. Review status: criteria provided, single submitter. Criteria: Invitae Variant Classification Sherloc (09022015). Collection method: clinical testing. Allele origin: germline.
Comment: This sequence change replaces alanine, which is neutral and non-polar, with proline, which is neutral and non-polar, at codon 1067 of the CFTR protein (p.Ala1067Pro). This variant is not present in population databases (gnomAD no frequency). This missense change has been observed in individual(s) with CFTR-related conditions (PMID: 26277102, 27131402; internal data). In at least one individual the data is consistent with being in trans (on the opposite chromosome) from a pathogenic variant. ClinVar contains an entry for this variant (Variation ID: 53679). Invitae Evidence Modeling of protein sequence and biophysical properties (such as structural, functional, and spatial information, amino acid conservation, physicochemical variation, residue mobility, and thermodynamic stability) indicates that this missense variant is expected to disrupt CFTR protein function with a positive predictive value of 80%. This variant disrupts the p.Ala1067 amino acid residue in CFTR. Other variant(s) that disrupt this residue have been determined to be pathogenic (PMID: 7539342, 7689902, 8556303). This suggests that this residue is clinically significant, and that variants that disrupt this residue are likely to be disease-causing. In summary, the currently available evidence indicates that the variant is pathogenic, but additional data are needed to prove that conclusively. Therefore, this variant has been classified as Likely Pathogenic.

Counsyl
Classification: Uncertain significance for Cystic fibrosis. Last evaluated: 2018-06-07. Review status: no assertion criteria provided. Collection method: clinical testing. Allele origin: unknown. Not counted in ClinVar's aggregate classification.

Literature cited by the submitters: PubMed 26277102 (cited by Labcorp Genetics (formerly Invitae), Labcorp); PubMed 27131402 (cited by Labcorp Genetics (formerly Invitae), Labcorp and Counsyl); PubMed 7539342 (cited by Labcorp Genetics (formerly Invitae), Labcorp); PubMed 7689902 (cited by Labcorp Genetics (formerly Invitae), Labcorp); PubMed 8556303 (cited by Labcorp Genetics (formerly Invitae), Labcorp).

NM_000492.4(CFTR):c.3199G>C (p.Ala1067Pro)

Genes: CFTR (CF transmembrane conductance regulator; plus strand), CFTR-AS2 (CFTR antisense RNA 2; minus strand), LOC111674472 (DNase I hypersensitive sites in introns 16 and 17a of CFTR; plus strand). Cytogenetic location: 7q31.2.
Variant type: single nucleotide variant.
Coding change: c.3199G>C on transcript NM_000492.4 (MANE Select); coding-DNA position 3199, G replaced by C.
Protein change: p.Ala1067Pro; replaces alanine 1067 with proline.
Molecular consequence: missense variant.
Genome position (GRCh38, 1-based): chr7:117,611,640, G>C. VCF-style: chr7-117611640-G-C. GRCh37 (hg19) VCF-style: chr7-117251694-G-C.
Other names: short protein forms A1067P.
Identifiers: ClinVar variation 53679 (VCV000053679.3), dbSNP rs121909020, ClinGen allele CA327088.